The following is an entry in ClinVar:

ClinVar aggregate classification (germline): Benign/Likely benign. Review status: criteria provided, multiple submitters, no conflicts (2 of 4 stars). 5 submissions from 5 submitters: Benign (1); Likely benign (4). Last evaluated 2025-09-01.

Conditions:
Hereditary cancer-predisposing syndrome. Also called: Neoplastic Syndromes, Hereditary; Hereditary neoplastic syndrome; Tumor predisposition; Hereditary Cancer Syndrome. Identifiers: Orphanet 140162, MedGen C0027672, MeSH D009386, MONDO:0015356.
Familial cancer of breast. Also called: hereditary breast carcinoma; Hereditary breast cancer; BREAST CANCER, FAMILIAL. Identifiers: Orphanet 227535, MedGen C0346153, MONDO:0016419, OMIM 114480. Disease mechanism: loss of function.
Ataxia-telangiectasia syndrome (AT). Also called: Ataxia telangiectasia (A-T); Cerebello-oculocutaneous telangiectasia; Immunodeficiency with ataxia telangiectasia; LOUIS-BAR SYNDROME; AT, COMPLEMENTATION GROUP C; ATAXIA-TELANGIECTASIA, FRESNO VARIANT. Identifiers: Orphanet 100, MedGen C0004135, MONDO:0008840, OMIM 208900.

Allele frequency attached by ClinVar (database versions not stated): TOPMed 0.00001; gnomAD 0.00001.
gnomAD v4.1: 1 of 1,613,710 alleles (0.000062%); highest among the groups gnomAD compares: African/African-American, 0.0013%; no homozygotes.

Submissions (5):

Labcorp Genetics (formerly Invitae), Labcorp
Classification: Likely benign for Ataxia-telangiectasia syndrome. Last evaluated: 2025-09-01. Review status: criteria provided, single submitter. Criteria: Invitae Variant Classification Sherloc (09022015). Collection method: clinical testing. Allele origin: germline.

Myriad Genetics, Inc.
Classification: Benign for Familial cancer of breast. Last evaluated: 2024-06-03. Review status: criteria provided, single submitter. Criteria: Myriad Autosomal Dominant, Autosomal Recessive and X-Linked Classification Criteria (2023). Collection method: clinical testing. Allele origin: unknown.
Comment: This variant is considered benign. This variant is a silent/synonymous amino acid change and it is not expected to impact splicing.

Color Diagnostics, LLC DBA Color Health
Classification: Likely benign for Hereditary cancer-predisposing syndrome. Last evaluated: 2020-11-10. Review status: criteria provided, single submitter. Criteria: ACMG Guidelines, 2015. Collection method: clinical testing. Allele origin: germline.

GeneDx
Classification: Likely benign. Last evaluated: 2018-11-13. Review status: criteria provided, single submitter. Criteria: GeneDx Variant Classification Process June 2021. Collection method: clinical testing. Allele origin: germline. Affected: yes.

Ambry Genetics
Classification: Likely benign for Hereditary cancer-predisposing syndrome. Last evaluated: 2015-06-26. Review status: criteria provided, single submitter. Criteria: Ambry Variant Classification Scheme 2023. Collection method: clinical testing. Allele origin: germline.

NM_000051.4(ATM):c.6192C>A (p.Ile2064=)

Genes: ATM (ATM serine/threonine kinase; plus strand), C11orf65 (chromosome 11 open reading frame 65; minus strand). Cytogenetic location: 11q22.3.
Variant type: single nucleotide variant.
Coding change: c.6192C>A on transcript NM_000051.4 (MANE Select); coding-DNA position 6192, C replaced by A.
Protein change: p.Ile2064=; no amino-acid change (isoleucine 2064 retained).
Molecular consequence: synonymous variant. On other transcripts: intron variant (2).
Genome position (GRCh38, 1-based): chr11:108,316,107, C>A. VCF-style: chr11-108316107-C-A. GRCh37 (hg19) VCF-style: chr11-108186834-C-A.
Other names: c.6192C>A, p.Ile2064= (NM_001351834.2); c.641-7036G>T (NM_001330368.2); c.*39-7036G>T (NM_001351110.2).
Identifiers: ClinVar variation 232544 (VCV000232544.19), dbSNP rs876659831, ClinGen allele CA10579213.